The following is an entry in ClinVar:

NM_006073.4(TRDN):c.1717dup (p.Thr573fs)

Gene: TRDN (triadin; minus strand). Cytogenetic location: 6q22.31.
Variant type: Duplication.
Coding change: c.1717dup on transcript NM_006073.4 (MANE Select); coding-DNA position 1717, one base duplicated (A; older notation c.1717dupA).
Protein change: p.Thr573fs; shifts the reading frame from threonine 573.
Molecular consequence: frameshift variant.
Genome position (GRCh38, 1-based): chr6:123,271,142, T duplicated on the plus strand (A on the coding strand, the reverse complement: TRDN is on the minus strand); the first of 6 consecutive T bases (chr6:123,271,142-123,271,147); duplicating any one gives the same sequence. VCF-style (leftmost placement, unchanged base first): chr6-123271141-G-GT. GRCh37 (hg19) VCF-style: chr6-123592286-G-GT.
Other names: c.1717dup (NM_006073.3); short protein forms T573fs.
Identifiers: ClinVar variation 2997927 (VCV002997927.4), dbSNP rs1224610838, ClinGen allele CA570331319.

ClinVar aggregate classification (germline): Uncertain significance. Review status: criteria provided, multiple submitters, no conflicts (2 of 4 stars). 2 submissions from 2 submitters: Uncertain significance (2). Last evaluated 2024-05-13.

Conditions:
Catecholaminergic polymorphic ventricular tachycardia 1. Also called: RYR2-Related Catecholaminergic Polymorphic Ventricular Tachycardia; VENTRICULAR TACHYCARDIA, STRESS-INDUCED POLYMORPHIC 1; VENTRICULAR TACHYCARDIA, CATECHOLAMINERGIC POLYMORPHIC, 1, WITH OR WITHOUT ATRIAL DYSFUNCTION AND/OR DILATED CARDIOMYOPATHY. Identifiers: Orphanet 3286, MedGen C1631597, MONDO:0011484, OMIM 604772.

Submissions (2):

GeneDx
Classification: Uncertain significance. Last evaluated: 2024-05-13. Review status: criteria provided, single submitter. Criteria: GeneDx Variant Classification Process June 2021. Collection method: clinical testing. Allele origin: germline. Affected: yes.
Comment: Frameshift variant predicted to result in protein truncation or nonsense mediated decay in a gene or region of a gene for which loss of function is not a well-established mechanism of disease; Has not been previously published as pathogenic or benign to our knowledge

Labcorp Genetics (formerly Invitae), Labcorp
Classification: Uncertain significance for Catecholaminergic polymorphic ventricular tachycardia 1. Last evaluated: 2022-12-07. Review status: criteria provided, single submitter. Criteria: Invitae Variant Classification Sherloc (09022015). Collection method: clinical testing. Allele origin: germline.
Comment: The frequency data for this variant in the population databases is considered unreliable, as metrics indicate poor data quality at this position in the gnomAD database. This sequence change creates a premature translational stop signal (p.Thr573Asnfs*11) in the TRDN gene. It is expected to result in an absent or disrupted protein product. However, the current clinical and genetic evidence is not sufficient to establish whether loss-of-function variants in TRDN cause disease. In summary, the available evidence is currently insufficient to determine the role of this variant in disease. Therefore, it has been classified as a Variant of Uncertain Significance. This variant has not been reported in the literature in individuals affected with TRDN-related conditions.